The following is an entry in ClinVar:

NM_003283.6(TNNT1):c.157C>T (p.Pro53Ser)

Gene: TNNT1 (troponin T1, slow skeletal type; minus strand). Cytogenetic location: 19q13.42.
Variant type: single nucleotide variant.
Coding change: c.157C>T on transcript NM_003283.6 (MANE Select); coding-DNA position 157, C replaced by T.
Protein change: p.Pro53Ser; replaces proline 53 with serine.
Molecular consequence: missense variant.
Genome position (GRCh38, 1-based): chr19:55,141,892, G>A on the plus strand (C>T on the coding strand, the complement: TNNT1 is on the minus strand). VCF-style: chr19-55141892-G-A. GRCh37 (hg19) VCF-style: chr19-55653260-G-A.
Other names: c.157C>T, p.Pro53Ser (NM_001126132.3); c.124C>T, p.Pro42Ser (NM_001126133.3, NM_001291774.2); short protein forms P42S, P53S.
Identifiers: ClinVar variation 644607 (VCV000644607.9), dbSNP rs755269853, ClinGen allele CA407436932.

ClinVar aggregate classification (germline): Uncertain significance (1 of 4 stars; one submission).

Conditions:
Nemaline myopathy 5 (NEM5A). Also called: NEMALINE MYOPATHY, AMISH TYPE; NEMALINE MYOPATHY 5A, AUTOSOMAL RECESSIVE, SEVERE INFANTILE; Nemaline myopathy 5, Amish type. Identifiers: Orphanet 98902, MedGen C1854380, MONDO:0011539, OMIM 605355.

Submission:

Labcorp Genetics (formerly Invitae), Labcorp
Classification: Uncertain significance for Nemaline myopathy 5. Last evaluated: 2022-08-09. Review status: criteria provided, single submitter. Criteria: Invitae Variant Classification Sherloc (09022015). Collection method: clinical testing. Allele origin: germline.
Comment: This sequence change replaces proline, which is neutral and non-polar, with serine, which is neutral and polar, at codon 53 of the TNNT1 protein (p.Pro53Ser). This variant is not present in population databases (gnomAD no frequency). This variant has not been reported in the literature in individuals affected with TNNT1-related conditions. ClinVar contains an entry for this variant (Variation ID: 644607). Algorithms developed to predict the effect of missense changes on protein structure and function are either unavailable or do not agree on the potential impact of this missense change (SIFT: "Deleterious"; PolyPhen-2: "Not Available"; Align-GVGD: "Class C65"). In summary, the available evidence is currently insufficient to determine the role of this variant in disease. Therefore, it has been classified as a Variant of Uncertain Significance.